The following is an entry in ClinVar:

ClinVar aggregate classification (germline): Pathogenic. Review status: reviewed by expert panel (3 of 4 stars). 28 submissions from 28 submitters: Pathogenic (1). 27 of the submissions do not count toward it. Last evaluated 2016-09-08.

Conditions:
BRCA2-related disorder. Also called: BRCA2-related condition; BRCA2-related disorders. Identifiers: MedGen CN239275.
Pancreatic cancer, susceptibility to, 2. Identifiers: Orphanet 1333, MedGen C3150546, MONDO:0013235, OMIM 613347.
Glioma susceptibility 3 (GLM3). Also called: Glioblastoma 3. Identifiers: Orphanet 182067, Orphanet 360, MedGen C2751641, MONDO:0013093, OMIM 613029.
Familial prostate cancer. Also called: Hereditary Prostate Cancer. Identifiers: MedGen C2931456, MONDO:0700275, OMIM 176807.
Breast-ovarian cancer, familial, susceptibility to, 2 (BROVCA2). Also called: BRCA2 Hereditary Breast and Ovarian Cancer. Identifiers: Orphanet 145, MedGen C2675520, MONDO:0012933, OMIM 612555. Disease mechanism: loss of function.
Fanconi anemia complementation group D1. Also called: BRCA2-Related Fanconi Anemia. Identifiers: Orphanet 319462, MedGen C1838457, MONDO:0011584, OMIM 605724.
Medulloblastoma (MDB). Also called: Medulloblastoma, somatic; MEDULLOBLASTOMA PREDISPOSITION SYNDROME. Identifiers: Orphanet 616, MedGen C0025149, MeSH D008527, MONDO:0007959, OMIM 155255, HP:0002885.
Wilms tumor 1 (WT1). Also called: Wilms tumor, somatic. Identifiers: Orphanet 654, MedGen CN033288, MONDO:0008679, OMIM 194070.
Familial cancer of breast. Also called: BREAST CANCER, FAMILIAL; hereditary breast carcinoma; Hereditary breast cancer. Identifiers: Orphanet 227535, MedGen C0346153, MONDO:0016419, OMIM 114480. Disease mechanism: loss of function.
Hereditary cancer-predisposing syndrome. Also called: Neoplastic Syndromes, Hereditary; Tumor predisposition; Hereditary Cancer Syndrome; Hereditary neoplastic syndrome. Identifiers: Orphanet 140162, MedGen C0027672, MeSH D009386, MONDO:0015356.
Breast and/or ovarian cancer. Identifiers: MedGen CN221562.
Hereditary breast ovarian cancer syndrome. Also called: Breast and ovarian cancer; Hereditary breast and ovarian cancer; Hereditary breast and ovarian cancer syndrome (HBOC); Hereditary breast and ovarian cancer syndrome; BRCA1- and BRCA2-Associated Hereditary Breast and Ovarian Cancer; Hereditary breast and/or ovarian cancer syndrome. Identifiers: Orphanet 145, MedGen C0677776, MeSH D061325, MONDO:0003582. Disease mechanism: loss of function.
Breast-ovarian cancer, familial, susceptibility to, 1 (BROVCA1). Also called: BRCA1 Hereditary Breast and Ovarian Cancer; OVARIAN CANCER, SUSCEPTIBILITY TO. Identifiers: Orphanet 145, MedGen C2676676, MONDO:0011450, OMIM 604370. Disease mechanism: loss of function.

Submissions 1 to 8 of 28:

Evidence-based Network for the Interpretation of Germline Mutant Alleles (ENIGMA)
Classification: Pathogenic for Breast-ovarian cancer, familial, susceptibility to, 2. Last evaluated: 2016-09-08. Review status: reviewed by expert panel. Criteria: ENIGMA BRCA1/2 Classification Criteria (2015). Collection method: curation. Allele origin: germline.
Comment: Variant allele predicted to encode a truncated non-functional protein.

Ambry Genetics
Classification: Pathogenic for Hereditary cancer-predisposing syndrome. Last evaluated: 2026-08-25. Review status: criteria provided, single submitter. Criteria: Ambry Variant Classification Scheme 2023. Collection method: clinical testing. Allele origin: germline. Not counted in ClinVar's aggregate classification.
Comment: The c.4638delT (p.F1546Lfs*22) alteration, located in exon 11 (coding exon 10) of the BRCA2 gene, consists of a deletion of one nucleotide at position 4638, causing a translational frameshift with a predicted alternate stop codon after 22 amino acids. This variant is expected to result in loss of function by premature protein truncation or nonsense-mediated mRNA decay. This variant was not reported in population-based cohorts in the Genome Aggregation Database (gnomAD). This mutation has been reported in a Polish ovarian and gastric cancer family (Jakubowska, 2003). It has also been reported in several other breast and ovarian cancer families (Anglian Breast Cancer Study, 2000; Lubinski, 2004; Risch, 2006; Zhang, 2011; Tung, 2015; Ellingson, 2015). This alteration was also identified in 1/692 men with metastatic prostate cancer who were unselected for family history of cancer or age at diagnosis (Pritchard, 2016). Note that this alteration is also referred to as 4866delT and 4862delT in published literature. Based on the available evidence, this alteration is classified as pathogenic.

Labcorp Genetics (formerly Invitae), Labcorp
Classification: Pathogenic for Hereditary breast ovarian cancer syndrome. Last evaluated: 2026-01-31. Review status: criteria provided, single submitter. Criteria: Invitae Variant Classification Sherloc (09022015). Collection method: clinical testing. Allele origin: germline. Not counted in ClinVar's aggregate classification.
Comment: This sequence change creates a premature translational stop signal (p.Phe1546Leufs*22) in the BRCA2 gene. It is expected to result in an absent or disrupted protein product. Loss-of-function variants in BRCA2 are known to be pathogenic (PMID: 20104584). This variant is not present in population databases (gnomAD no frequency). This premature translational stop signal has been observed in individual(s) with breast and ovarian cancer (PMID: 11044354, 14647210, 15131399, 17148771, 21324516, 26296701). This variant is also known as 4862delT and 4866delT. ClinVar contains an entry for this variant (Variation ID: 37915). For these reasons, this variant has been classified as Pathogenic.

Variantyx, Inc.
Classification: Pathogenic for Breast-ovarian cancer, familial, susceptibility to, 2. Last evaluated: 2026-01-13. Review status: criteria provided, single submitter. Criteria: Variantyx Assertion Criteria 2022. Collection method: clinical testing. Allele origin: germline. Inheritance: Autosomal dominant inheritance. Affected: yes. Not counted in ClinVar's aggregate classification.
Comment: This is a frameshift variant in the BRCA2 gene (OMIM: 600185). Pathogenic variants in this gene have been associated with autosomal dominant susceptibility to familial breast ovarian cancer 2. This variant introduces a premature termination codon in exon 11 out of 27 and is expected to result in loss of function, which is a known disease mechanism for BRCA2 in this disorder (PMID: 20104584) (PVS1). It has been reported in several unrelated affected individuals (PMID:11044354, 14647210, 15131399, 17148771, 21324516, 26296701) and has a 0.0011% maximum allele frequency in non-founder control populations. Other reputable laboratories have reported this variant as pathogenic, and this classification has been validated by an expert panel in ClinVar. Based on the current evidence, this variant is classified as pathogenic for autosomal dominant susceptibility to familial breast-ovarian cancer 2.

Institute of Immunology and Genetics Kaiserslautern
Classification: Pathogenic for Breast-ovarian cancer, familial, susceptibility to, 1. Last evaluated: 2025-07-31. Review status: criteria provided, single submitter. Criteria: ACMG Guidelines, 2015. Collection method: clinical testing. Allele origin: germline. Affected: yes. Not counted in ClinVar's aggregate classification.
Comment: ACMG Criteria: PVS1, PM2, PP5_M.

ARUP Laboratories, Molecular Genetics and Genomics, ARUP Laboratories
Classification: Pathogenic. Last evaluated: 2025-05-02. Review status: criteria provided, single submitter. Criteria: ARUP Molecular Germline Variant Investigation Process 2024. Collection method: clinical testing. Allele origin: germline. Not counted in ClinVar's aggregate classification.
Comment: The BRCA2 c.4638del; p.Phe1546LeufsTer22 variant (rs80359462, ClinVar Variation ID: 37915), also known as 4866delT or 4862delT, is reported in individuals with breast, ovarian, prostate, or pancreatic cancer (Jakubowska 2003, Lowery 2018, Pritchard 2016, Tung 2015, Yurgelun 2019). This variant is absent from the Genome Aggregation Database (v2.1.1), indicating it is not a common polymorphism. This variant causes a frameshift by deleting a single nucleotide, so it is predicted to result in a truncated protein or mRNA subject to nonsense-mediated decay. Based on available information, this variant is considered to be pathogenic. References: Jakubowska A et al. A high frequency of BRCA2 gene mutations in Polish families with ovarian and stomach cancer. Eur J Hum Genet. 2003 Dec;11(12):955-8. PMID: 14647210. Lowery MA et al. Prospective Evaluation of Germline Alterations in Patients With Exocrine Pancreatic Neoplasms. J Natl Cancer Inst. 2018 Oct 1;110(10):1067-1074. PMID: 29506128. Pritchard CC et al. Inherited DNA-Repair Gene Mutations in Men with Metastatic Prostate Cancer. N Engl J Med. 2016 Aug 4;375(5):443-53. PMID: 27433846. Tung N et al. Frequency of mutations in individuals with breast cancer referred for BRCA1 and BRCA2 testing using next-generation sequencing with a 25-gene panel. Cancer. 2015 Jan 1;121(1):25-33. PMID: 25186627. Yurgelun MB et al. Germline cancer susceptibility gene variants, somatic second hits, and survival outcomes in patients with resected pancreatic cancer. Genet Med. 2019 Jan;21(1):213-223. PMID: 29961768.

Blueprint Genetics
Classification: Pathogenic for BRCA2-related disorders. Last evaluated: 2024-08-19. Review status: criteria provided, single submitter. Criteria: ACMG Guidelines, 2015. Collection method: clinical testing. Allele origin: germline. Affected: yes. Observed: 5 variant alleles. Not counted in ClinVar's aggregate classification.

Color Diagnostics, LLC DBA Color Health
Classification: Pathogenic for Hereditary cancer-predisposing syndrome. Last evaluated: 2024-04-08. Review status: criteria provided, single submitter. Criteria: ACMG Guidelines, 2015. Collection method: clinical testing. Allele origin: germline. Not counted in ClinVar's aggregate classification.
Comment: This variant deletes 1 nucleotide in exon 11 of the BRCA2 gene, creating a frameshift and premature translation stop signal. This variant is expected to result in an absent or non-functional protein product. This variant has been reported in at least five individuals affected with breast and/or ovarian cancer (PMID: 11044354, 14647210, 17148771, 25186627, 26296701, 33471991; Leiden Open Variation Database DB-ID BRCA2_002797) and one individual each affected with pancreatic and prostate cancer (PMID: 28873162, 29506128, 27433846). This variant has not been identified in the general population by the Genome Aggregation Database (gnomAD). Loss of BRCA2 function is a known mechanism of disease. Based on the available evidence, this variant is classified as Pathogenic.

NM_000059.4(BRCA2):c.4638del (p.Phe1546fs)

Gene: BRCA2 (BRCA2 DNA repair associated; plus strand). Cytogenetic location: 13q13.1.
Variant type: Deletion.
Coding change: c.4638del on transcript NM_000059.4 (MANE Select); coding-DNA position 4638, one base deleted (T; older notation c.4638delT).
Protein change: p.Phe1546fs; shifts the reading frame from phenylalanine 1546.
Molecular consequence: frameshift variant.
Genome position (GRCh38, 1-based): chr13:32,338,993, T deleted; the last of 5 consecutive T bases (chr13:32,338,989-32,338,993); deleting any one gives the same sequence. VCF-style (leftmost placement, unchanged base first): chr13-32338988-CT-C. GRCh37 (hg19) VCF-style: chr13-32913125-CT-C.
Other names: 4866delT; c.4638delT (NM_000059.3).
Identifiers: ClinVar variation 37915 (VCV000037915.85), dbSNP rs80359462, ClinGen allele CA020572.